The following is an entry in ClinVar:

ClinVar aggregate classification (germline): Uncertain significance (1 of 4 stars; one submission).

gnomAD v4.1: 2 of 1,614,218 alleles (0.00012%); highest among the groups gnomAD compares: Non-Finnish European, 0.00017%; no homozygotes.

Submission:

Ambry Genetics
Classification: Uncertain significance. Last evaluated: 2023-11-11. Review status: criteria provided, single submitter. Criteria: Ambry Variant Classification Scheme 2023. Collection method: clinical testing. Allele origin: germline.
Comment: The p.T1208A variant (also known as c.3622A>G), located in coding exon 17 of the NPAT gene, results from an A to G substitution at nucleotide position 3622. The threonine at codon 1208 is replaced by alanine, an amino acid with similar properties. This amino acid position is conserved. In addition, this alteration is predicted to be tolerated by in silico analysis. Since supporting evidence is limited at this time, the clinical significance of this alteration remains unclear.

NM_002519.3(NPAT):c.3622A>G (p.Thr1208Ala)

Gene: NPAT (nuclear protein, coactivator of histone transcription; minus strand). Cytogenetic location: 11q22.3.
Variant type: single nucleotide variant.
Coding change: c.3622A>G on transcript NM_002519.3 (MANE Select); coding-DNA position 3622, A replaced by G.
Protein change: p.Thr1208Ala; replaces threonine 1208 with alanine.
Molecular consequence: missense variant.
Genome position (GRCh38, 1-based): chr11:108,161,464, T>C on the plus strand (A>G on the coding strand, the complement: NPAT is on the minus strand). VCF-style: chr11-108161464-T-C. GRCh37 (hg19) VCF-style: chr11-108032191-T-C.
Other names: c.3643A>G, p.Thr1215Ala (NM_001321307.1); short protein forms T1208A, T1215A.
Identifiers: ClinVar variation 1733334 (VCV001733334.2), dbSNP rs1269371651, ClinGen allele CA382510401.